The following is an entry in ClinVar:

NM_015662.3(IFT172):c.1157G>A (p.Arg386Gln)

Gene: IFT172 (intraflagellar transport 172; minus strand). Cytogenetic location: 2p23.3.
Variant type: single nucleotide variant.
Coding change: c.1157G>A on transcript NM_015662.3 (MANE Select); coding-DNA position 1157, G replaced by A.
Protein change: p.Arg386Gln; replaces arginine 386 with glutamine.
Molecular consequence: missense variant.
Genome position (GRCh38, 1-based): chr2:27,478,005, C>T on the plus strand (G>A on the coding strand, the complement: IFT172 is on the minus strand). VCF-style: chr2-27478005-C-T. GRCh37 (hg19) VCF-style: chr2-27700872-C-T.
Other names: short protein forms R386Q.
Identifiers: ClinVar variation 966432 (VCV000966432.14), dbSNP rs137868356, ClinGen allele CA1580765.
Genomic context (GRCh38, chr2:27,478,005, plus strand): 5'-TTAAGCCAAGATGCCCTATTCCCCACCCTACCCTCAATTTTGGTTCCTACCTCACTAAGC[C>T]GATTAGTGTTCAGGTCCCCCAGCAGCAGTGTTTCTGATGTGTGAGCCACCAAGTAACGTT-3'
Protein context (NP_056477.1, residues 376-396): TLLLGDLNTN[Arg386Gln]LSEIAWQGSG

ClinVar aggregate classification (germline): Conflicting classifications of pathogenicity. Review status: criteria provided, conflicting classifications (1 of 4 stars). 5 submissions from 5 submitters: Uncertain significance (4); Likely benign (1). Last evaluated 2025-06-26.

Conditions:
IFT172-related disorder. Also called: IFT172-related disorders; IFT172-related condition.
Short-rib thoracic dysplasia 10 with or without polydactyly (SRTD10). Identifiers: Orphanet 474, MedGen C3810175, MONDO:0014284, OMIM 615630.
Bardet-Biedl syndrome 20. Identifiers: MedGen C4310707, MONDO:0023670, OMIM 619471, MONDO:0014926.
Retinitis pigmentosa 71 (RP71). Identifiers: Orphanet 791, MedGen C4225342, MONDO:0014618, OMIM 616394.

Allele frequency attached by ClinVar (database versions not stated): gnomAD exomes 0.00001 and 0.00003; ExAC 0.00003; gnomAD 0.00003 and 0.00004; TOPMed 0.00006; ESP Exome Variant Server 0.00008.
gnomAD v4.1: 26 of 1,613,996 alleles (0.0016%); highest among the groups gnomAD compares: South Asian, 0.013%; 1 homozygote.

Submissions (5):

PreventionGenetics, part of Exact Sciences
Classification: Uncertain significance for IFT172-related condition. Last evaluated: 2025-06-26. Review status: criteria provided, single submitter. Criteria: ACMG Guidelines, 2015. Collection method: clinical testing. Allele origin: germline.
Comment: The IFT172 c.1157G>A variant is predicted to result in the amino acid substitution p.Arg386Gln. To our knowledge, this variant has not been reported in the literature. This variant is reported in 0.025% of alleles in individuals of African descent in gnomAD. At this time, the clinical significance of this variant is uncertain due to the absence of conclusive functional and genetic evidence.

Labcorp Genetics (formerly Invitae), Labcorp
Classification: Likely benign for Retinitis pigmentosa 71; Short-rib thoracic dysplasia 10 with or without polydactyly. Last evaluated: 2025-04-21. Review status: criteria provided, single submitter. Criteria: Invitae Variant Classification Sherloc (09022015). Collection method: clinical testing. Allele origin: germline.

Blueprint Genetics
Classification: Uncertain significance. Last evaluated: 2024-09-06. Review status: criteria provided, single submitter. Criteria: ACMG Guidelines, 2015. Collection method: clinical testing. Allele origin: germline.

Fulgent Genetics
Classification: Uncertain significance for Short-rib thoracic dysplasia 10 with or without polydactyly; Retinitis pigmentosa 71; Bardet-Biedl syndrome 20. Last evaluated: 2022-01-30. Review status: criteria provided, single submitter. Criteria: ACMG Guidelines, 2015. Collection method: clinical testing. Allele origin: unknown.

GeneDx
Classification: Uncertain significance. Last evaluated: 2019-04-25. Review status: criteria provided, single submitter. Criteria: GeneDx Variant Classification Process June 2021. Collection method: clinical testing. Allele origin: germline. Affected: yes.
Comment: In silico analysis, which includes protein predictors and evolutionary conservation, supports that this variant does not alter protein structure/function; Has not been previously published as pathogenic or benign to our knowledge